The following is an entry in ClinVar:

NM_016222.4(DDX41):c.242C>A (p.Pro81His)

Gene: DDX41 (DEAD-box helicase 41; minus strand). Cytogenetic location: 5q35.3.
Variant type: single nucleotide variant.
Coding change: c.242C>A on transcript NM_016222.4 (MANE Select); coding-DNA position 242, C replaced by A.
Protein change: p.Pro81His; replaces proline 81 with histidine.
Molecular consequence: missense variant. On other transcripts: 5 prime UTR variant (2).
Genome position (GRCh38, 1-based): chr5:177,516,344, G>T on the plus strand (C>A on the coding strand, the complement: DDX41 is on the minus strand). VCF-style: chr5-177516344-G-T. GRCh37 (hg19) VCF-style: chr5-176943345-G-T.
Other names: c.-137C>A (NM_001321732.2, NM_001321830.2); short protein forms P81H.
Identifiers: ClinVar variation 3838952 (VCV003838952.1).

ClinVar aggregate classification (germline): Uncertain significance (1 of 4 stars; one submission).

Conditions:
Inborn genetic diseases. Identifiers: MedGen C0950123, MeSH D030342.

Submission:

Ambry Genetics
Classification: Uncertain significance for Inborn genetic diseases. Last evaluated: 2024-12-20. Review status: criteria provided, single submitter. Criteria: Ambry Variant Classification Scheme 2023. Collection method: clinical testing. Allele origin: germline.
Comment: The p.P81H variant (also known as c.242C>A), located in coding exon 3 of the DDX41 gene, results from a C to A substitution at nucleotide position 242. The proline at codon 81 is replaced by histidine, an amino acid with similar properties. This amino acid position is conserved. In addition, this alteration is predicted to be tolerated by in silico analysis. Based on the available evidence, the clinical significance of this variant remains unclear.